The following is an entry in ClinVar:

NM_000382.3(ALDH3A2):c.799G>T (p.Glu267Ter)

Gene: ALDH3A2 (aldehyde dehydrogenase 3 family member A2; plus strand). Cytogenetic location: 17p11.2.
Variant type: single nucleotide variant.
Coding change: c.799G>T on transcript NM_000382.3 (MANE Select); coding-DNA position 799, G replaced by T.
Protein change: p.Glu267Ter; replaces glutamic acid 267 with a stop codon.
Molecular consequence: nonsense.
Genome position (GRCh38, 1-based): chr17:19,661,127, G>T. VCF-style: chr17-19661127-G-T. GRCh37 (hg19) VCF-style: chr17-19564440-G-T.
Other names: c.799G>T, p.Glu267Ter (NM_001031806.2, NM_001369136.1, NM_001369137.2 and 3 more transcripts); c.220G>T, p.Glu74Ter (NM_001369148.2); short protein forms E267*, E74*.
Identifiers: ClinVar variation 983974 (VCV000983974.6), dbSNP rs1457784654, ClinGen allele CA398708943.

ClinVar aggregate classification (germline): Pathogenic/Likely pathogenic. Review status: criteria provided, multiple submitters, no conflicts (2 of 4 stars). 2 submissions from 2 submitters: Pathogenic (1); Likely pathogenic (1). Last evaluated 2023-07-29.

Conditions:
Sjögren-Larsson syndrome (SLS). Also called: FATTY ALCOHOL:NAD+ OXIDOREDUCTASE DEFICIENCY; FATTY ALDEHYDE DEHYDROGENASE DEFICIENCY; ICHTHYOSIS, SPASTIC NEUROLOGIC DISORDER, AND OLIGOPHRENIA; FALDH DEFICIENCY. Identifiers: Orphanet 816, MedGen C0037231, MONDO:0010031, OMIM 270200.

gnomAD v4.1: 1 of 1,609,536 alleles (0.000062%); highest among the groups gnomAD compares: Admixed American, 0.0017%; no homozygotes.

Submissions (2):

Labcorp Genetics (formerly Invitae), Labcorp
Classification: Pathogenic. Last evaluated: 2023-07-29. Review status: criteria provided, single submitter. Criteria: Invitae Variant Classification Sherloc (09022015). Collection method: clinical testing. Allele origin: germline.
Comment: For these reasons, this variant has been classified as Pathogenic. ClinVar contains an entry for this variant (Variation ID: 983974). This variant has not been reported in the literature in individuals affected with ALDH3A2-related conditions. This variant is not present in population databases (gnomAD no frequency). This sequence change creates a premature translational stop signal (p.Glu267*) in the ALDH3A2 gene. It is expected to result in an absent or disrupted protein product. Loss-of-function variants in ALDH3A2 are known to be pathogenic (PMID: 10577908, 10854114).

Myriad Genetics, Inc.
Classification: Likely pathogenic for Sjögren-Larsson syndrome. Last evaluated: 2019-02-24. Review status: criteria provided, single submitter. Criteria: Myriad Women's Health Autosomal Recessive and X-Linked Classification Criteria (2019). Collection method: clinical testing. Allele origin: unknown.
Comment: NM_000382.2(ALDH3A2):c.799G>T(E267*) is expected to be pathogenic in the context of Sjogren-Larsson syndrome. This variant is predicted to lead to an abnormal or absent protein product due to the creation of a premature termination codon in ALDH3A2, a gene where loss-of-function variants are known to be pathogenic. Please note: this variant was assessed in the context of healthy population screening.

Literature cited by the submitters: PubMed 10577908 (cited by Labcorp Genetics (formerly Invitae), Labcorp); PubMed 10854114 (cited by Labcorp Genetics (formerly Invitae), Labcorp).